The following is an entry in ClinVar:

ClinVar aggregate classification (germline): Uncertain significance (1 of 4 stars; one submission).

Allele frequency attached by ClinVar (database versions not stated): ExAC 0.00001; TOPMed 0.00001; gnomAD 0.00002.
gnomAD v4.1: 22 of 1,613,998 alleles (0.0014%); highest among the groups gnomAD compares: Non-Finnish European, 0.0018%; no homozygotes.

Submission:

Labcorp Genetics (formerly Invitae), Labcorp
Classification: Uncertain significance. Last evaluated: 2025-01-13. Review status: criteria provided, single submitter. Criteria: Invitae Variant Classification Sherloc (09022015). Collection method: clinical testing. Allele origin: germline.
Comment: This sequence change replaces cysteine, which is neutral and slightly polar, with serine, which is neutral and polar, at codon 186 of the EIF2AK2 protein (p.Cys186Ser). This variant is present in population databases (rs770476926, gnomAD 0.002%). This variant has not been reported in the literature in individuals affected with EIF2AK2-related conditions. ClinVar contains an entry for this variant (Variation ID: 1933284). An algorithm developed to predict the effect of missense changes on protein structure and function outputs the following: PolyPhen-2: "Benign". The serine amino acid residue is found in multiple mammalian species, which suggests that this missense change does not adversely affect protein function. In summary, the available evidence is currently insufficient to determine the role of this variant in disease. Therefore, it has been classified as a Variant of Uncertain Significance.

NM_001135651.3(EIF2AK2):c.557G>C (p.Cys186Ser)

Gene: EIF2AK2 (eukaryotic translation initiation factor 2 alpha kinase 2; minus strand). Cytogenetic location: 2p22.2.
Variant type: single nucleotide variant.
Coding change: c.557G>C on transcript NM_001135651.3 (MANE Select); coding-DNA position 557, G replaced by C.
Protein change: p.Cys186Ser; replaces cysteine 186 with serine.
Molecular consequence: missense variant.
Genome position (GRCh38, 1-based): chr2:37,138,545, C>G on the plus strand (G>C on the coding strand, the complement: EIF2AK2 is on the minus strand). VCF-style: chr2-37138545-C-G. GRCh37 (hg19) VCF-style: chr2-37365688-C-G.
Other names: c.557G>C, p.Cys186Ser (NM_001135652.3, NM_002759.4); short protein forms C186S.
Identifiers: ClinVar variation 1933284 (VCV001933284.4), dbSNP rs770476926, ClinGen allele CA1615294.